The following is an entry in ClinVar:

ClinVar aggregate classification (germline): Pathogenic (1 of 4 stars; one submission).

Allele frequency attached by ClinVar (database versions not stated): TOPMed 0.00002; gnomAD 0.00003 and 0.00004.

Submission:

Labcorp Genetics (formerly Invitae), Labcorp
Classification: Pathogenic. Last evaluated: 2023-12-12. Review status: criteria provided, single submitter. Criteria: Invitae Variant Classification Sherloc (09022015). Collection method: clinical testing. Allele origin: germline.
Comment: This sequence change creates a premature translational stop signal (p.Val3123Phefs*14) in the VPS13A gene. It is expected to result in an absent or disrupted protein product. Loss-of-function variants in VPS13A are known to be pathogenic (PMID: 12404112, 21598378). This variant is not present in population databases (gnomAD no frequency). This variant has not been reported in the literature in individuals affected with VPS13A-related conditions. ClinVar contains an entry for this variant (Variation ID: 1456082). For these reasons, this variant has been classified as Pathogenic.

Literature cited by the submitters: PubMed 12404112; PubMed 21598378.

NM_033305.3(VPS13A):c.9367del (p.Val3123fs)

Gene: VPS13A (vacuolar protein sorting 13 homolog A; plus strand). Cytogenetic location: 9q21.2.
Variant type: Deletion.
Coding change: c.9367del on transcript NM_033305.3 (MANE Select); coding-DNA position 9367, one base deleted (G; older notation c.9367delG).
Protein change: p.Val3123fs; shifts the reading frame from valine 3123.
Molecular consequence: frameshift variant.
Genome position (GRCh38, 1-based): chr9:77,405,955, G deleted. VCF-style (leftmost placement, unchanged base first): chr9-77405954-TG-T. GRCh37 (hg19) VCF-style: chr9-80020870-TG-T.
Other names: c.9250del, p.Val3084fs (NM_001018037.2); short protein forms V3084fs, V3123fs.
Identifiers: ClinVar variation 1456082 (VCV001456082.7), dbSNP rs1358293369, ClinGen allele CA867080338.